The following is an entry in ClinVar:

ClinVar aggregate classification (germline): Uncertain significance (1 of 4 stars; one submission).

Conditions:
Neurofibromatosis, type 1 (NF1). Also called: VON RECKLINGHAUSEN DISEASE; Neurofibromatosis, type I; NEUROFIBROMATOSIS, TYPE I, SOMATIC; Peripheral type neurofibromatosis. Identifiers: Orphanet 636, MedGen C0027831, MONDO:0018975, OMIM 162200. Disease mechanism: loss of function.

Submission:

Labcorp Genetics (formerly Invitae), Labcorp
Classification: Uncertain significance for Neurofibromatosis, type 1. Last evaluated: 2021-11-24. Review status: criteria provided, single submitter. Criteria: Invitae Variant Classification Sherloc (09022015). Collection method: clinical testing. Allele origin: germline.
Comment: Algorithms developed to predict the effect of missense changes on protein structure and function are either unavailable or do not agree on the potential impact of this missense change (SIFT: "Deleterious"; PolyPhen-2: "Probably Damaging"; Align-GVGD: "Class C0"). This variant has not been reported in the literature in individuals affected with NF1-related conditions. This variant is not present in population databases (gnomAD no frequency). This sequence change replaces serine, which is neutral and polar, with phenylalanine, which is neutral and non-polar, at codon 1639 of the NF1 protein (p.Ser1639Phe). In summary, the available evidence is currently insufficient to determine the role of this variant in disease. Therefore, it has been classified as a Variant of Uncertain Significance.

NM_001042492.3(NF1):c.4979C>T (p.Ser1660Phe)

Gene: NF1 (neurofibromin 1; plus strand). Cytogenetic location: 17q11.2.
Variant type: single nucleotide variant.
Coding change: c.4979C>T on transcript NM_001042492.3 (MANE Select); coding-DNA position 4979, C replaced by T.
Protein change: p.Ser1660Phe; replaces serine 1660 with phenylalanine.
Molecular consequence: missense variant.
Genome position (GRCh38, 1-based): chr17:31,325,963, C>T. VCF-style: chr17-31325963-C-T. GRCh37 (hg19) VCF-style: chr17-29652981-C-T.
Other names: c.4916C>T, p.Ser1639Phe (NM_000267.4); short protein forms S1660F, S1639F.
Identifiers: ClinVar variation 1394851 (VCV001394851.6), dbSNP rs2069329686, ClinGen allele CA399007241.